The following is an entry in ClinVar:

ClinVar aggregate classification (germline): Pathogenic (1 of 4 stars; one submission).

Conditions:
GNE myopathy (NM). Also called: MYOPATHY, DISTAL, WITH OR WITHOUT RIMMED VACUOLES; INCLUSION BODY MYOPATHY, HEREDITARY, AUTOSOMAL RECESSIVE; INCLUSION BODY MYOPATHY 2, AUTOSOMAL RECESSIVE; NONAKA DISTAL MYOPATHY; IBM 2; Inclusion body myopathy autosomal recessive. Identifiers: Orphanet 602, MedGen C1853926, MONDO:0011603, OMIM 605820.
Sialuria. Also called: SIALURIA, FRENCH TYPE; Sialic Acid Storage Disease. Identifiers: Orphanet 3166, MedGen C0342853, MONDO:0010028, OMIM 269921.

Submission:

Labcorp Genetics (formerly Invitae), Labcorp
Classification: Pathogenic for Sialuria; GNE myopathy. Last evaluated: 2022-03-09. Review status: criteria provided, single submitter. Criteria: Invitae Variant Classification Sherloc (09022015). Collection method: clinical testing. Allele origin: germline.
Comment: For these reasons, this variant has been classified as Pathogenic. This variant disrupts a region of the GNE protein in which other variant(s) (p.Met743Thr) have been determined to be pathogenic (PMID: 11528398, 20300792, 23278550). This suggests that this is a clinically significant region of the protein, and that variants that disrupt it are likely to be disease-causing. This variant has not been reported in the literature in individuals affected with GNE-related conditions. This variant is not present in population databases (gnomAD no frequency). This sequence change results in a frameshift in the GNE gene (p.Met743Argfs*39). While this is not anticipated to result in nonsense mediated decay, it is expected to disrupt the last 11 amino acid(s) of the GNE protein and extend the protein by 27 additional amino acid residues.

Literature cited by the submitters: PubMed 11528398; PubMed 20300792; PubMed 23278550.

NM_005476.7(GNE):c.2135del (p.Met712fs)

Gene: GNE (glucosamine (UDP-N-acetyl)-2-epimerase/N-acetylmannosamine kinase; minus strand). Cytogenetic location: 9p13.3.
Variant type: Deletion.
Coding change: c.2135del on transcript NM_005476.7 (MANE Select); coding-DNA position 2135, one base deleted (T; older notation c.2135delT).
Protein change: p.Met712fs; shifts the reading frame from methionine 712.
Molecular consequence: frameshift variant.
Genome position (GRCh38, 1-based): chr9:36,217,399, A deleted on the plus strand (T on the coding strand, the reverse complement: GNE is on the minus strand). VCF-style (leftmost placement, unchanged base first): chr9-36217398-CA-C. GRCh37 (hg19) VCF-style: chr9-36217395-CA-C.
Other names: c.1805del, p.Met602fs (NM_001190384.3); c.1958del, p.Met653fs (NM_001190388.2, NM_001374798.1); c.1982del, p.Met661fs (NM_001374797.1); c.2228del, p.Met743fs (NM_001128227.3); c.1913del, p.Met638fs (NM_001190383.3); short protein forms M661fs, M653fs, M638fs, M602fs, M712fs, M743fs.
Identifiers: ClinVar variation 2108109 (VCV002108109.4), dbSNP rs2489580480, ClinGen allele CA2580080486.